The following is an entry in ClinVar:

NM_005609.4(PYGM):c.1363G>C (p.Gly455Arg)

Gene: PYGM (glycogen phosphorylase, muscle associated; minus strand). Cytogenetic location: 11q13.1.
Variant type: single nucleotide variant.
Coding change: c.1363G>C on transcript NM_005609.4 (MANE Select); coding-DNA position 1363, G replaced by C.
Protein change: p.Gly455Arg; replaces glycine 455 with arginine.
Molecular consequence: missense variant.
Genome position (GRCh38, 1-based): chr11:64,753,559, C>G on the plus strand (G>C on the coding strand, the complement: PYGM is on the minus strand). VCF-style: chr11-64753559-C-G. GRCh37 (hg19) VCF-style: chr11-64521031-C-G.
Other names: c.1363G>C (NM_005609.3); c.1099G>C, p.Gly367Arg (NM_001164716.1); short protein forms G455R, G367R.
Identifiers: ClinVar variation 2735640 (VCV002735640.5), dbSNP rs201042910, ClinGen allele CA6079899.

ClinVar aggregate classification (germline): Pathogenic/Likely pathogenic. Review status: criteria provided, multiple submitters, no conflicts (2 of 4 stars). 3 submissions from 3 submitters: Pathogenic (1); Likely pathogenic (2). Last evaluated 2025-02-10.

Conditions:
Glycogen storage disease, type V (GSD5). Also called: MYOPHOSPHORYLASE DEFICIENCY; PYGM DEFICIENCY; McArdle type glycogen storage disease; MCARDLE DISEASE; MUSCLE GLYCOGEN PHOSPHORYLASE DEFICIENCY. Identifiers: Orphanet 368, MedGen C0017924, MONDO:0009293, OMIM 232600.
PYGM-related disorder. Also called: PYGM-related condition.

Submissions (3):

Labcorp Genetics (formerly Invitae), Labcorp
Classification: Pathogenic for Glycogen storage disease, type V. Last evaluated: 2025-02-10. Review status: criteria provided, single submitter. Criteria: Invitae Variant Classification Sherloc (09022015). Collection method: clinical testing. Allele origin: germline.
Comment: This sequence change replaces glycine, which is neutral and non-polar, with arginine, which is basic and polar, at codon 455 of the PYGM protein (p.Gly455Arg). The frequency data for this variant in the population databases is considered unreliable, as metrics indicate poor data quality at this position in the gnomAD database. This missense change has been observed in individual(s) with McArdle disease (PMID: 21802952, 22250184, 23653251, 34534370; internal data). In at least one individual the data is consistent with being in trans (on the opposite chromosome) from a pathogenic variant. ClinVar contains an entry for this variant (Variation ID: 2735640). Invitae Evidence Modeling of protein sequence and biophysical properties (such as structural, functional, and spatial information, amino acid conservation, physicochemical variation, residue mobility, and thermodynamic stability) indicates that this missense variant is expected to disrupt PYGM protein function with a positive predictive value of 95%. For these reasons, this variant has been classified as Pathogenic.

Natera, Inc.
Classification: Likely pathogenic for Glycogen storage disease V. Last evaluated: 2024-10-10. Review status: criteria provided, single submitter. Criteria: Natera Variant Classification Schema (03/2026). Collection method: clinical testing. Allele origin: germline.
Comment: The c.1363G>C variant in PYGM is a missense variant predicted to cause substitution of glycine to arginine at amino acid 455. This variant is rare in the general population with a frequency below the threshold expected for the associated phenotype(s). This variant has been observed in one or more individuals affected with the associated recessive disease, as either homozygous or compound heterozygous with a second variant (PMID: 22250184, 23653251, 34534370). Computational prediction algorithms indicate this variant is likely to affect gene or protein function. Given the available evidence, this variant is classified as Likely Pathogenic.

Blueprint Genetics
Classification: Likely pathogenic for PYGM-related disorders. Last evaluated: 2020-08-07. Review status: criteria provided, single submitter. Criteria: ACMG Guidelines, 2015. Collection method: clinical testing. Allele origin: germline. Affected: yes. Observed: 1 variant allele.

Literature cited by the submitters: PubMed 21802952 (cited by Labcorp Genetics (formerly Invitae), Labcorp); PubMed 22250184 (cited by Labcorp Genetics (formerly Invitae), Labcorp and Natera, Inc.); PubMed 23653251 (cited by Labcorp Genetics (formerly Invitae), Labcorp and Natera, Inc.); PubMed 34534370 (cited by Labcorp Genetics (formerly Invitae), Labcorp and Natera, Inc.).